The following is an entry in ClinVar:

NM_000051.4(ATM):c.1856A>T (p.Asn619Ile)

Gene: ATM (ATM serine/threonine kinase; plus strand). Cytogenetic location: 11q22.3.
Variant type: single nucleotide variant.
Coding change: c.1856A>T on transcript NM_000051.4 (MANE Select); coding-DNA position 1856, A replaced by T.
Protein change: p.Asn619Ile; replaces asparagine 619 with isoleucine.
Molecular consequence: missense variant.
Genome position (GRCh38, 1-based): chr11:108,252,870, A>T. VCF-style: chr11-108252870-A-T. GRCh37 (hg19) VCF-style: chr11-108123597-A-T.
Other names: c.1856A>T, p.Asn619Ile (NM_001351834.2); short protein forms N619I.
Identifiers: ClinVar variation 2091704 (VCV002091704.4), dbSNP rs1591531036, ClinGen allele CA382535896.

ClinVar aggregate classification (germline): Uncertain significance (1 of 4 stars; one submission).

Conditions:
Ataxia-telangiectasia syndrome (AT). Also called: Ataxia-telangiectasia, complementation group D; AT, COMPLEMENTATION GROUP C; ATAXIA-TELANGIECTASIA, COMPLEMENTATION GROUP A; ATAXIA-TELANGIECTASIA, FRESNO VARIANT; Ataxia telangiectasia (A-T); Ataxia-telangiectasia. Identifiers: Orphanet 100, MedGen C0004135, MONDO:0008840, OMIM 208900.

Submission:

Labcorp Genetics (formerly Invitae), Labcorp
Classification: Uncertain significance for Ataxia-telangiectasia syndrome. Last evaluated: 2022-02-02. Review status: criteria provided, single submitter. Criteria: Invitae Variant Classification Sherloc (09022015). Collection method: clinical testing. Allele origin: germline.
Comment: Advanced modeling of protein sequence and biophysical properties (such as structural, functional, and spatial information, amino acid conservation, physicochemical variation, residue mobility, and thermodynamic stability) performed at Invitae indicates that this missense variant is not expected to disrupt ATM protein function. This variant has not been reported in the literature in individuals affected with ATM-related conditions. This variant is not present in population databases (gnomAD no frequency). This sequence change replaces asparagine, which is neutral and polar, with isoleucine, which is neutral and non-polar, at codon 619 of the ATM protein (p.Asn619Ile). In summary, the available evidence is currently insufficient to determine the role of this variant in disease. Therefore, it has been classified as a Variant of Uncertain Significance.